The following is an entry in ClinVar:

NM_058216.3(RAD51C):c.146-5T>G

Gene: RAD51C (RAD51 paralog C; plus strand). Cytogenetic location: 17q22.
Variant type: single nucleotide variant.
Coding change: c.146-5T>G on transcript NM_058216.3 (MANE Select); 5 bases into the intron before coding-DNA position 146, T replaced by G.
Molecular consequence: intron variant.
Genome position (GRCh38, 1-based): chr17:58,694,926, T>G. VCF-style: chr17-58694926-T-G. GRCh37 (hg19) VCF-style: chr17-56772287-T-G.
Other names: c.146-5T>G (NM_002876.4).
Identifiers: ClinVar variation 4149887 (VCV004149887.1).

ClinVar aggregate classification (germline): Uncertain significance (1 of 4 stars; one submission).

Conditions:
Hereditary cancer-predisposing syndrome. Also called: Hereditary neoplastic syndrome; Neoplastic Syndromes, Hereditary; Tumor predisposition; Hereditary Cancer Syndrome. Identifiers: Orphanet 140162, MedGen C0027672, MeSH D009386, MONDO:0015356.

Submission:

Ambry Genetics
Classification: Uncertain significance for Hereditary cancer-predisposing syndrome. Last evaluated: 2025-07-14. Review status: criteria provided, single submitter. Criteria: Ambry Variant Classification Scheme 2023. Collection method: clinical testing. Allele origin: germline.
Comment: The c.146-5T>G intronic variant results from a T to G substitution 5 nucleotides upstream from coding exon 2 in the RAD51C gene. This nucleotide position is highly conserved in available vertebrate species. In silico splice site analysis predicts that this alteration may weaken the native splice acceptor site; however, direct evidence is insufficient at this time (Ambry internal data). Based on the available evidence, the clinical significance of this variant remains unclear.